The following is an entry in ClinVar:

NM_004655.4(AXIN2):c.91G>C (p.Gly31Arg)

Gene: AXIN2 (axin 2; minus strand). Cytogenetic location: 17q24.1.
Variant type: single nucleotide variant.
Coding change: c.91G>C on transcript NM_004655.4 (MANE Select); coding-DNA position 91, G replaced by C.
Protein change: p.Gly31Arg; replaces glycine 31 with arginine.
Molecular consequence: missense variant.
Genome position (GRCh38, 1-based): chr17:65,558,530, C>G on the plus strand (G>C on the coding strand, the complement: AXIN2 is on the minus strand). VCF-style: chr17-65558530-C-G. GRCh37 (hg19) VCF-style: chr17-63554648-C-G.
Other names: c.91G>C, p.Gly31Arg (NM_001363813.1); short protein forms G31R.
Identifiers: ClinVar variation 3814643 (VCV003814643.1).

ClinVar aggregate classification (germline): Uncertain significance (1 of 4 stars; one submission).

Conditions:
Hereditary cancer-predisposing syndrome. Also called: Hereditary neoplastic syndrome; Neoplastic Syndromes, Hereditary; Tumor predisposition; Hereditary Cancer Syndrome. Identifiers: Orphanet 140162, MedGen C0027672, MeSH D009386, MONDO:0015356.

gnomAD v4.1: 1 of 1,613,880 alleles (0.000062%); highest among the groups gnomAD compares: African/African-American, 0.0013%; no homozygotes.

Submission:

Ambry Genetics
Classification: Uncertain significance for Hereditary cancer-predisposing syndrome. Last evaluated: 2025-02-09. Review status: criteria provided, single submitter. Criteria: Ambry Variant Classification Scheme 2023. Collection method: clinical testing. Allele origin: germline.
Comment: The p.G31R variant (also known as c.91G>C), located in coding exon 1 of the AXIN2 gene, results from a G to C substitution at nucleotide position 91. The glycine at codon 31 is replaced by arginine, an amino acid with dissimilar properties. This amino acid position is conserved. In addition, the in silico prediction for this alteration is inconclusive. Based on the available evidence, the clinical significance of this variant remains unclear.